The following is an entry in ClinVar:

ClinVar aggregate classification (germline): Uncertain significance (1 of 4 stars; one submission).

Allele frequency attached by ClinVar (database versions not stated): gnomAD 0.00001; TOPMed 0.00001.
gnomAD v4.1: 1 of 1,612,142 alleles (0.000062%); highest among the groups gnomAD compares: African/African-American, 0.0013%; no homozygotes.

Submission:

Labcorp Genetics (formerly Invitae), Labcorp
Classification: Uncertain significance. Last evaluated: 2022-02-11. Review status: criteria provided, single submitter. Criteria: Invitae Variant Classification Sherloc (09022015). Collection method: clinical testing. Allele origin: germline.
Comment: In summary, the available evidence is currently insufficient to determine the role of this variant in disease. Therefore, it has been classified as a Variant of Uncertain Significance. Algorithms developed to predict the effect of missense changes on protein structure and function are either unavailable or do not agree on the potential impact of this missense change (SIFT: "Deleterious"; PolyPhen-2: "Probably Damaging"; Align-GVGD: "Class C0"). This variant has not been reported in the literature in individuals affected with MTPAP-related conditions. This variant is not present in population databases (gnomAD no frequency). This sequence change replaces aspartic acid, which is acidic and polar, with asparagine, which is neutral and polar, at codon 249 of the MTPAP protein (p.Asp249Asn).

NM_018109.4(MTPAP):c.745G>A (p.Asp249Asn)

Gene: MTPAP (mitochondrial poly(A) polymerase; minus strand). Cytogenetic location: 10p11.23.
Variant type: single nucleotide variant.
Coding change: c.745G>A on transcript NM_018109.4 (MANE Select); coding-DNA position 745, G replaced by A.
Protein change: p.Asp249Asn; replaces aspartic acid 249 with asparagine.
Molecular consequence: missense variant.
Genome position (GRCh38, 1-based): chr10:30,336,838, C>T on the plus strand (G>A on the coding strand, the complement: MTPAP is on the minus strand). VCF-style: chr10-30336838-C-T. GRCh37 (hg19) VCF-style: chr10-30625767-C-T.
Other names: short protein forms D249N.
Identifiers: ClinVar variation 2096543 (VCV002096543.4), dbSNP rs1419994174, ClinGen allele CA376425423.
Genomic context (GRCh38, chr10:30,336,838, plus strand): 5'-TAGTGGTCAAAAGAAATAGACTTACCTTGTGAGCGCTGAGGTTTCTGGTTTCATCTAGAT[C>T]CAAAAACATGTCCAAATCACATCCTAACTTCCCAAAAGTGTTGACTGAGGAGCCAAAGGG-3'
Protein context (NP_060579.3, residues 239-259): KLGCDLDMFL[Asp249Asn]LDETRNLSAH